The following is an entry in ClinVar:

ClinVar aggregate classification (germline): Uncertain significance. Review status: criteria provided, multiple submitters, no conflicts (2 of 4 stars). 3 submissions from 3 submitters: Uncertain significance (3). Last evaluated 2024-07-22.

Conditions:
Retinal dystrophy. Also called: Inherited retinal dystrophy. Identifiers: Orphanet 71862, MedGen C0854723, MeSH D058499, MONDO:0019118, HP:0000556.

Allele frequency attached by ClinVar (database versions not stated): ExAC 0.00001; gnomAD 0.00001; gnomAD exomes 0.00002.
gnomAD v4.1: 21 of 1,613,968 alleles (0.0013%); highest among the groups gnomAD compares: Non-Finnish European, 0.0015%; no homozygotes.

Submissions (3):

Labcorp Genetics (formerly Invitae), Labcorp
Classification: Uncertain significance. Last evaluated: 2024-07-22. Review status: criteria provided, single submitter. Criteria: Invitae Variant Classification Sherloc (09022015). Collection method: clinical testing. Allele origin: germline.
Comment: This sequence change replaces arginine, which is basic and polar, with histidine, which is basic and polar, at codon 707 of the DHX38 protein (p.Arg707His). This variant is present in population databases (rs752762438, gnomAD 0.01%). This variant has not been reported in the literature in individuals affected with DHX38-related conditions. ClinVar contains an entry for this variant (Variation ID: 1361949). Advanced modeling of protein sequence and biophysical properties (such as structural, functional, and spatial information, amino acid conservation, physicochemical variation, residue mobility, and thermodynamic stability) performed at Invitae indicates that this missense variant is expected to disrupt DHX38 protein function with a positive predictive value of 80%. In summary, the available evidence is currently insufficient to determine the role of this variant in disease. Therefore, it has been classified as a Variant of Uncertain Significance.

Dept Of Ophthalmology, Nagoya University
Classification: Uncertain significance for Retinal dystrophy. Last evaluated: 2023-10-01. Review status: criteria provided, single submitter. Criteria: Submitter's publication. Collection method: research. Allele origin: germline. Affected: yes.

Blueprint Genetics
Classification: Uncertain significance. Last evaluated: 2021-10-04. Review status: criteria provided, single submitter. Criteria: ACMG Guidelines, 2015. Collection method: clinical testing. Allele origin: germline.

NM_014003.4(DHX38):c.2120G>A (p.Arg707His)

Gene: DHX38 (DEAH-box helicase 38; plus strand). Cytogenetic location: 16q22.2.
Variant type: single nucleotide variant.
Coding change: c.2120G>A on transcript NM_014003.4 (MANE Select); coding-DNA position 2120, G replaced by A.
Protein change: p.Arg707His; replaces arginine 707 with histidine.
Molecular consequence: missense variant.
Genome position (GRCh38, 1-based): chr16:72,104,595, G>A. VCF-style: chr16-72104595-G-A. GRCh37 (hg19) VCF-style: chr16-72138494-G-A.
Other names: short protein forms R707H.
Identifiers: ClinVar variation 1361949 (VCV001361949.9), dbSNP rs752762438, ClinGen allele CA8160518.